The following is an entry in ClinVar:

NM_001363711.2(DUOX2):c.1709A>T (p.Gln570Leu)

Gene: DUOX2 (dual oxidase 2; minus strand). Cytogenetic location: 15q21.1.
Variant type: single nucleotide variant.
Coding change: c.1709A>T on transcript NM_001363711.2 (MANE Select); coding-DNA position 1709, A replaced by T.
Protein change: p.Gln570Leu; replaces glutamine 570 with leucine.
Molecular consequence: missense variant.
Genome position (GRCh38, 1-based): chr15:45,106,954, T>A on the plus strand (A>T on the coding strand, the complement: DUOX2 is on the minus strand). VCF-style: chr15-45106954-T-A. GRCh37 (hg19) VCF-style: chr15-45399152-T-A.
Other names: c.1709A>T, p.Gln570Leu (NM_014080.5); short protein forms Q570L.
Identifiers: ClinVar variation 1160789 (VCV001160789.24), dbSNP rs547116063, ClinGen allele CA7538513.

ClinVar aggregate classification (germline): Conflicting classifications of pathogenicity. Review status: criteria provided, conflicting classifications (1 of 4 stars). 12 submissions from 11 submitters: Pathogenic (1); Likely pathogenic (4); Uncertain significance (5); Likely benign (1). 1 of the submissions does not count toward it. Last evaluated 2026-09-10.

Conditions:
Thyroid dyshormonogenesis 6 (TDH6). Also called: HYPOTHYROIDISM, CONGENITAL, DUE TO DYSHORMONOGENESIS, 6; Genetic transient congenital hypothyroidism; THYROID HORMONOGENESIS, GENETIC DEFECT IN, 6. Identifiers: Orphanet 226316, Orphanet 95716, MedGen C1846632, MONDO:0011792, OMIM 607200.
Congenital hypothyroidism. Identifiers: Orphanet 442, MedGen C0010308, MONDO:0018612, HP:0000851.
DUOX2-related disorder. Also called: DUOX2-related condition.

Allele frequency attached by ClinVar (database versions not stated): TOPMed 0.00005; gnomAD 0.00042; gnomAD exomes 0.00131; ExAC 0.00287; 1000 Genomes Project 30x 0.00359; 1000 Genomes Project 0.00399.

Submissions (12):

PreventionGenetics, part of Exact Sciences
Classification: Uncertain significance for DUOX2-related condition. Last evaluated: 2026-09-10. Review status: criteria provided, single submitter. Criteria: ACMG Guidelines, 2015. Collection method: clinical testing. Allele origin: germline.
Comment: The DUOX2 c.1709A>T variant is predicted to result in the amino acid substitution p.Gln570Leu. This variant has been reported in the homozygous and compound heterozygous states in multiple individuals with congenital hypothyroidism (see for examples, Muzza et al. 2013. PubMed ID: 24423310; Table S5, Boudellioua et al. 2017. PubMed ID: 28414800; Table S3, Peters et al. 2019. PubMed ID: 31044655). This variant has also been reported to co-segregate with disease in several individuals from a family with permanent congenital hypothyroidism, euthyroidism, or transient congenital hypothyroidism (Family F10, Nicholas et al. 2016. PubMed ID: 27525530). An in vitro experimental study using HeLa cells suggests this variant is associated with significantly reduced hydrogen peroxide production activity (Muzza et al. 2013. PubMed ID: 24423310). However, this variant is reported in 0.98% of alleles in individuals of South Asian descent in gnomAD (including nine homozygotes) which may be too frequent to be a primary cause of disease. Although we suspect that this variant may be pathogenic, at this time, the clinical significance of this variant is uncertain due to the absence of conclusive functional and genetic evidence.

Labcorp Genetics (formerly Invitae), Labcorp
Classification: Likely benign. Last evaluated: 2026-01-28. Review status: criteria provided, single submitter. Criteria: Invitae Variant Classification Sherloc (09022015). Collection method: clinical testing. Allele origin: germline.

GeneDx
Classification: Uncertain significance. Last evaluated: 2025-09-21. Review status: criteria provided, single submitter. Criteria: GeneDx Variant Classification Process June 2021. Collection method: clinical testing. Allele origin: germline. Affected: yes.
Comment: Observed in homozygous and compound heterozygous states in patients in published literature with congenital hypothyroidism (PMID: 27525530, 24423310, 31044655, 39126042); Published functional studies demonstrate that this variant leads to 25% DUOX2 activity compared to wild type (PMID: 24423310); In silico analysis supports that this missense variant has a deleterious effect on protein structure/function; This variant is associated with the following publications: (PMID: 28414800, 31044655, 33651715, 28648510, 26210446, 36703223, 24423310, 27525530, 39126042, 37626566)

Cambridge Genomics Laboratory, East Genomic Laboratory Hub, NHS Genomic Medicine Service
Classification: Likely pathogenic for Congenital hypothyroidism. Last evaluated: 2025-04-03. Review status: criteria provided, single submitter. Criteria: ACGS Best Practice Guidelines for Variant Classification in Rare Disease 2020. Collection method: clinical testing. Allele origin: germline. Affected: yes.
Comment: PS3_Supporting,PM3_Strong,PP3

First Genomix Gene Laboratory, Genetic Diagnostics Department
Classification: Likely pathogenic for Thyroid dyshormonogenesis 6. Last evaluated: 2025-01-10. Review status: criteria provided, single submitter. Criteria: ACMG Guidelines, 2015. Collection method: clinical testing. Allele origin: germline. Inheritance: Autosomal recessive inheritance. Affected: no. Observed: 1 variant allele.

Blueprint Genetics
Classification: Uncertain significance. Last evaluated: 2024-11-19. Review status: criteria provided, single submitter. Criteria: ACMG Guidelines, 2015. Collection method: clinical testing. Allele origin: germline.

Women's Health and Genetics/Laboratory Corporation of America, LabCorp
Classification: Uncertain significance. Last evaluated: 2023-12-11. Review status: criteria provided, single submitter. Criteria: LabCorp Variant Classification Summary - May 2015. Collection method: clinical testing. Allele origin: germline.
Comment: Variant summary: DUOX2 c.1709A>T (p.Gln570Leu) results in a non-conservative amino acid change located in the Dual oxidase, peroxidase domain (IPR034821) of the encoded protein sequence. Four of five in-silico tools predict a damaging effect of the variant on protein function. The variant allele was found at a frequency of 0.0013 in 191130 control chromosomes, predominantly at a frequency of 0.0098 within the South Asian subpopulation in the gnomAD database, including 8 homozygotes. c.1709A>T has been reported in the literature in individuals (largely of South Asian origin) affected with hypothyroidism (e.g. Muzza_2014, Boudellioula_2017, Peters_2019, el Naofal_2023). These reports do not provide unequivocal conclusions about association of the variant with Thyroid Dyshormonogenesis 6. At least one publication reports experimental evidence evaluating an impact on protein function, finding that the variant results in 25% of normal activity (Muzza_2014). The following publications have been ascertained in the context of this evaluation (PMID: 24423310, 28414800, 31044655, 33651715, 36703223, 27525530). Six submitters have cited clinical-significance assessments for this variant to ClinVar after 2014. Multiple submitters reported the variant with conflicting assessments, including uncertain significance (n=3), likely benign (n=1), pathogenic (n=1) or likely pathogenic (n=1). Based on the evidence outlined above, the variant was classified as VUS-possibly pathogenic.

Dubai Health Genomic Medicine Center, Dubai Health
Classification: Likely pathogenic. Last evaluated: 2022-12-17. Review status: criteria provided, single submitter. Criteria: ACMG Guidelines, 2015. Collection method: clinical testing. Allele origin: germline. Affected: yes.

Genetics and Molecular Pathology, SA Pathology
Classification: Likely pathogenic for Thyroid dyshormonogenesis 6. Last evaluated: 2022-11-29. Review status: criteria provided, single submitter. Criteria: ACMG Guidelines, 2015. Collection method: clinical testing. Allele origin: germline. Inheritance: Autosomal recessive inheritance. Affected: yes.
Comment: The DUOX2 c.1709A>T variant is classified as Likely Pathogenic (PM2_supporting, PS3_supporting, PM3_strong, PP3) The DUOX2 c.1709A>T variant is a single nucleotide change in exon 15/34 of the DUOX2 gene, predicted to change the amino acid glutamine at position 570 to leucine. In patients with congenital hypothyroidism, this variant is reported twice in trans to a pathogenic DUOX2 variant, including local data, three times homozygous and multiple times in trans to VUS (PMID:31044655, 24423310, 36703223) (PM3_strong). Computational predictions support a deleterious effect on the gene or gene product (PP3). Functional studies in cell culture showed a reduction of H2O2 activity to 25% of wild-type (PMID:24423310, PS3_supporting). The variant is reported in dbSNP (rs547116063) and in population databases (gnomAD 63/152168, 1 homozygote, PM2_supporting). The variant has been reported as disease causing in the HGMD database (CM1313825) and as Conflicting interpretations of pathogenicity by other diagnostic laboratories (ClinVar Variation ID: 1160789).

Mendelics
Classification: Pathogenic for Thyroid dyshormonogenesis 6. Last evaluated: 2022-05-04. Review status: criteria provided, single submitter. Criteria: Mendelics Assertion Criteria 2019. Collection method: clinical testing. Allele origin: germline.

Neuberg Centre For Genomic Medicine, NCGM
Classification: Uncertain significance for Thyroid dyshormonogenesis 6. Review status: criteria provided, single submitter. Criteria: ACMG Guidelines, 2015. Collection method: clinical testing. Allele origin: germline. Inheritance: Autosomal recessive inheritance. Affected: yes.
Comment: The missense variant c.1709A>T (p.Gln570Leu) in DUOX2 gene has not been reported previously as a pathogenic variant nor as a benign variant, to our knowledge. The p.Gln570Leu variant has allele frequency of 0.1308% in gnomAD exomes and novel (not in any individuals) in 1000 Genomes. This variant has been reported to the ClinVar database as Uncertain Significance/Likely benign. The amino acid change p.Gln570Leu in DUOX2 is predicted as conserved by GERP++ and PhyloP across 100 vertebrates. The amino acid Gln at position 570 is changed to a Leu changing protein sequence and it might alter its composition and physico-chemical properties. For these reasons, this variant has been classified as Uncertain Significance (VUS).

Dubai Health Genomic Medicine Center, Dubai Health
Classification: Uncertain significance for Thyroid dyshormonogenesis 6. Last evaluated: 2020-08-09. Review status: flagged submission. Criteria: ACMG Guidelines, 2015. Collection method: clinical testing. Allele origin: germline. Affected: yes. Not counted in ClinVar's aggregate classification.
Comment: The Gln570Leu missense variant in DUOX2 has been previously reported in the homozygous state in one individual with congenital hypothyroidism (PMID: 24423310). In vitro functional analysis showed that this variant significantly reduces protein activity (PMID: 24423310). This variant was also identified in 241/24660 (0.97% 8 homozygotes) South Asian alleles in the Genome Aggregation Database (gnomAD) and in 5/1977 (0.25% 0 homozygotes) total alleles in the Greater Middle East (GME) Variome Database. Although this frequency is relatively high it might still be consistent with an autosomal recessive condition with incomplete penetrance and variable expressivity. Computational prediction tools and conservation analysis suggest and impact to protein function however this information is not predictive enough to confirm pathogenicity. In summary more information is needed to determine the clinical significance of this variant.
ClinVar note: Reason: This record appears to be redundant with a more recent record from the same submitter.
ClinVar note: Notes: SCV001984398 appears to be redundant with SCV002818184.

Literature cited by the submitters: PubMed 27525530 (cited by Women's Health and Genetics/Laboratory Corporation of America, LabCorp); PubMed 31044655 (cited by Women's Health and Genetics/Laboratory Corporation of America, LabCorp and Genetics and Molecular Pathology, SA Pathology); PubMed 33651715 (cited by Women's Health and Genetics/Laboratory Corporation of America, LabCorp); PubMed 24423310 (cited by Women's Health and Genetics/Laboratory Corporation of America, LabCorp and Genetics and Molecular Pathology, SA Pathology); PubMed 36703223 (cited by Women's Health and Genetics/Laboratory Corporation of America, LabCorp and Genetics and Molecular Pathology, SA Pathology); PubMed 28414800 (cited by Women's Health and Genetics/Laboratory Corporation of America, LabCorp).